The following is an entry in ClinVar:

ClinVar aggregate classification (germline): Likely pathogenic (1 of 4 stars; one submission).

Submission:

GeneDx
Classification: Likely pathogenic. Last evaluated: 2024-11-18. Review status: criteria provided, single submitter. Criteria: GeneDx Variant Classification Process June 2021. Collection method: clinical testing. Allele origin: germline. Affected: yes.
Comment: Identified in patients with LQTS in published literature (PMID: 16414944, 34505893); Not observed at significant frequency in large population cohorts (gnomAD); Frameshift variant predicted to result in protein truncation or nonsense mediated decay in a gene for which loss of function is a known mechanism of disease; This variant is associated with the following publications: (PMID: 34505893, 16414944)

NM_000218.3(KCNQ1):c.1513_1514del (p.Gln505fs)

Genes: KCNQ1 (potassium voltage-gated channel subfamily Q member 1; plus strand), KCNQ1OT1 (KCNQ1 opposite strand/antisense transcript 1; minus strand). Cytogenetic location: 11p15.5.
Variant type: Microsatellite.
Coding change: c.1513_1514del on transcript NM_000218.3 (MANE Select); coding-DNA positions 1513 to 1514, 2 bases deleted (CA; older notation c.1513_1514delCA).
Protein change: p.Gln505fs; shifts the reading frame from glutamine 505.
Molecular consequence: frameshift variant.
Genome position (GRCh38, 1-based): chr11:2,662,080-2,662,081, CA deleted; deleting any 2 consecutive bases within chr11:2,662,078-2,662,081 gives the same sequence; the c. name uses the placement nearest the transcript's 3' end. VCF-style (leftmost placement, unchanged base first): chr11-2662077-TCA-T. GRCh37 (hg19) VCF-style: chr11-2683307-TCA-T.
Other names: c.1513_1514delCA (NM_000218.2); c.1511_1512CA[1], p.Gln505Alafs (NM_000218.2); c.1417_1418del, p.Gln473fs (NM_001406836.1); c.1243_1244del, p.Gln415fs (NM_001406837.1); c.973_974del, p.Gln325fs (NM_001406838.1); c.1132_1133del, p.Gln378fs (NM_181798.2); short protein forms Q505fs, Q378fs, Q325fs, Q415fs, Q473fs.
Identifiers: ClinVar variation 52985 (VCV000052985.5), dbSNP rs397508092, ClinGen allele CA005811.
Genomic context (GRCh38, chr11:2,662,077, plus strand): 5'-AGCTTCGCCGAGGACCTGGACCTGGAAGGGGAGACTCTGCTGACACCCATCACCCACATC[TCA>T]CAGTGAGTGCCTACATGTGCGTGAAGGGCTGGGCTGGAGGGGACTGGAGCTCAAGGAGTC-3'